The following is an entry in ClinVar:

ClinVar aggregate classification (germline): Uncertain significance (1 of 4 stars; one submission).

Conditions:
Marfan syndrome (MFS). Also called: FBN1-Related Marfan Syndrome; MARFAN SYNDROME, TYPE I; Marfan syndrome type 1; Marfan's syndrome; Marfan syndrome, classic. Identifiers: Orphanet 284963, Orphanet 558, MedGen C0024796, MONDO:0007947, OMIM 154700.
Familial thoracic aortic aneurysm and aortic dissection (TAAD). Also called: Thoracic aortic aneurysms and dissections. Identifiers: Orphanet 91387, MedGen C4707243, MONDO:0019625.

Submission:

Labcorp Genetics (formerly Invitae), Labcorp
Classification: Uncertain significance for Marfan syndrome; Familial thoracic aortic aneurysm and aortic dissection. Last evaluated: 2025-07-02. Review status: criteria provided, single submitter. Criteria: Invitae Variant Classification Sherloc (09022015). Collection method: clinical testing. Allele origin: germline.
Comment: This sequence change replaces alanine, which is neutral and non-polar, with glycine, which is neutral and non-polar, at codon 987 of the FBN1 protein (p.Ala987Gly). This variant is not present in population databases (gnomAD no frequency). This variant has not been reported in the literature in individuals affected with FBN1-related conditions. Invitae Evidence Modeling of protein sequence and biophysical properties (such as structural, functional, and spatial information, amino acid conservation, physicochemical variation, residue mobility, and thermodynamic stability) indicates that this missense variant is expected to disrupt FBN1 protein function with a positive predictive value of 95%. In summary, the available evidence is currently insufficient to determine the role of this variant in disease. Therefore, it has been classified as a Variant of Uncertain Significance.

NM_000138.5(FBN1):c.2960C>G (p.Ala987Gly)

Gene: FBN1 (fibrillin 1; minus strand). Cytogenetic location: 15q21.1.
Variant type: single nucleotide variant.
Coding change: c.2960C>G on transcript NM_000138.5 (MANE Select); coding-DNA position 2960, C replaced by G.
Protein change: p.Ala987Gly; replaces alanine 987 with glycine.
Molecular consequence: missense variant.
Genome position (GRCh38, 1-based): chr15:48,489,973, G>C on the plus strand (C>G on the coding strand, the complement: FBN1 is on the minus strand). VCF-style: chr15-48489973-G-C. GRCh37 (hg19) VCF-style: chr15-48782170-G-C.
Other names: c.2960C>G, p.Ala987Gly (NM_001406716.1); short protein forms A987G.
Identifiers: ClinVar variation 4789659 (VCV004789659.1).